The following is an entry in ClinVar:

ClinVar aggregate classification (germline): Likely pathogenic. Review status: criteria provided, multiple submitters, no conflicts (2 of 4 stars). 2 submissions from 2 submitters: Likely pathogenic (2). Last evaluated 2025-05-22.

Conditions:
POLG-related disorder. Also called: POLG-related condition; POLG-Related Disorders; POLG-Related Spectrum Disorders. Identifiers: MedGen C4763519.
Progressive sclerosing poliodystrophy (MTDPS4A). Also called: ALPERS PROGRESSIVE INFANTILE POLIODYSTROPHY; NEURONAL DEGENERATION OF CHILDHOOD WITH LIVER DISEASE, PROGRESSIVE; Alpers Syndrome; ALPERS DIFFUSE DEGENERATION OF CEREBRAL GRAY MATTER WITH HEPATIC CIRRHOSIS; Alpers-Huttenlocher Syndrome; Mitochondrial DNA depletion syndrome 4A (Alpers type). Identifiers: Orphanet 726, MedGen C0205710, MONDO:0008758, OMIM 203700.

Submissions (2):

Myriad Genetics, Inc.
Classification: Likely pathogenic for POLG-related disorder. Last evaluated: 2025-05-22. Review status: criteria provided, single submitter. Criteria: Myriad Autosomal Dominant, Autosomal Recessive and X-Linked Classification Criteria (2023). Collection method: clinical testing. Allele origin: unknown.
Comment: NM_002693.2(POLG):c.1171-2A>G is a variant in a canonical splice site classified as likely pathogenic in the context of POLG-related disorders. c.1171-2A>G has been not observed in cases with relevant disease. Relevant functional assessments of this variant are not available in the literature. c.1171-2A>G has not been observed in referenced population frequency databases. In summary, NM_002693.2(POLG):c.1171-2A>G is a variant in a canonical splice site in a gene where loss of function is a known mechanism of disease and is predicted to disrupt protein function. Please note: this variant was assessed in the context of healthy population screening.

Labcorp Genetics (formerly Invitae), Labcorp
Classification: Likely pathogenic for Progressive sclerosing poliodystrophy. Last evaluated: 2024-02-25. Review status: criteria provided, single submitter. Criteria: Invitae Variant Classification Sherloc (09022015). Collection method: clinical testing. Allele origin: germline.
Comment: This sequence change affects an acceptor splice site in intron 5 of the POLG gene. It is expected to disrupt RNA splicing. Variants that disrupt the donor or acceptor splice site typically lead to a loss of protein function (PMID: 16199547), and loss-of-function variants in POLG are known to be pathogenic (PMID: 18546365). This variant is not present in population databases (gnomAD no frequency). This variant has not been reported in the literature in individuals affected with POLG-related conditions. Algorithms developed to predict the effect of sequence changes on RNA splicing suggest that this variant may disrupt the consensus splice site. In summary, the currently available evidence indicates that the variant is pathogenic, but additional data are needed to prove that conclusively. Therefore, this variant has been classified as Likely Pathogenic.

Literature cited by the submitters: PubMed 16199547 (cited by Labcorp Genetics (formerly Invitae), Labcorp); PubMed 18546365 (cited by Labcorp Genetics (formerly Invitae), Labcorp).

NM_002693.3(POLG):c.1171-2A>G

Gene: POLG (DNA polymerase gamma, catalytic subunit; minus strand). Cytogenetic location: 15q26.1.
Variant type: single nucleotide variant.
Coding change: c.1171-2A>G on transcript NM_002693.3 (MANE Select); the canonical splice acceptor site of the intron before coding-DNA position 1171, A replaced by G.
Molecular consequence: splice acceptor variant.
Genome position (GRCh38, 1-based): chr15:89,328,537, T>C on the plus strand (A>G on the coding strand, the complement: POLG is on the minus strand). VCF-style: chr15-89328537-T-C. GRCh37 (hg19) VCF-style: chr15-89871768-T-C.
Other names: c.1171-2A>G (NM_001126131.2).
Identifiers: ClinVar variation 3643265 (VCV003643265.3).